The following is an entry in ClinVar:

ClinVar aggregate classification (germline): Pathogenic/Likely pathogenic. Review status: criteria provided, multiple submitters, no conflicts (2 of 4 stars). 2 submissions from 2 submitters: Pathogenic (1); Likely pathogenic (1). Last evaluated 2023-08-14.

Conditions:
Lethal arthrogryposis-anterior horn cell disease syndrome (CAAHD). Also called: CONGENITAL ARTHROGRYPOSIS WITH ANTERIOR HORN CELL DISEASE. Identifiers: Orphanet 53696, MedGen C5193016, MONDO:0012750, OMIM 611890.
Lethal congenital contracture syndrome 1 (LCCS1). Also called: MULTIPLE CONTRACTURE SYNDROME, FINNISH TYPE. Identifiers: Orphanet 1486, MedGen C1854664, MONDO:0009670, OMIM 253310.

Submissions (2):

Labcorp Genetics (formerly Invitae), Labcorp
Classification: Pathogenic. Last evaluated: 2023-08-14. Review status: criteria provided, single submitter. Criteria: Invitae Variant Classification Sherloc (09022015). Collection method: clinical testing. Allele origin: germline.
Comment: This variant is not present in population databases (gnomAD no frequency). This sequence change creates a premature translational stop signal (p.Glu232*) in the GLE1 gene. It is expected to result in an absent or disrupted protein product. Loss-of-function variants in GLE1 are known to be pathogenic (PMID: 18204449, 24243016, 27684565). This variant has not been reported in the literature in individuals affected with GLE1-related conditions. For these reasons, this variant has been classified as Pathogenic.

Juno Genomics, Hangzhou Juno Genomics, Inc
Classification: Likely pathogenic for Lethal arthrogryposis-anterior horn cell disease syndrome; Lethal congenital contracture syndrome 1. Review status: criteria provided, single submitter. Criteria: ACMG Guidelines, 2015. Collection method: clinical testing. Allele origin: germline.
Comment: Null variant in a gene where loss of function (LOF) is a known mechanism of disease.;Absent from controls (or at extremely low frequency if recessive) in Genome Aggregation Database.

Literature cited by the submitters: PubMed 18204449 (cited by Labcorp Genetics (formerly Invitae), Labcorp); PubMed 24243016 (cited by Labcorp Genetics (formerly Invitae), Labcorp); PubMed 27684565 (cited by Labcorp Genetics (formerly Invitae), Labcorp).

NM_001003722.2(GLE1):c.694G>T (p.Glu232Ter)

Gene: GLE1 (GLE1 RNA export mediator; plus strand). Cytogenetic location: 9q34.11.
Variant type: single nucleotide variant.
Coding change: c.694G>T on transcript NM_001003722.2 (MANE Select); coding-DNA position 694, G replaced by T.
Protein change: p.Glu232Ter; replaces glutamic acid 232 with a stop codon.
Molecular consequence: nonsense.
Genome position (GRCh38, 1-based): chr9:128,523,643, G>T. VCF-style: chr9-128523643-G-T. GRCh37 (hg19) VCF-style: chr9-131285922-G-T.
Other names: c.694G>T, p.Glu232Ter (NM_001411013.1, NM_001499.2); short protein forms E232*.
Identifiers: ClinVar variation 2966954 (VCV002966954.5), dbSNP rs772214214, ClinGen allele CA375039699.